The following is an entry in ClinVar:

ClinVar aggregate classification (germline): Uncertain significance (1 of 4 stars; one submission).

Conditions:
Dilated cardiomyopathy 1G (CMD1G). Identifiers: Orphanet 154, MedGen C1858763, MONDO:0011400, OMIM 604145.
Autosomal recessive limb-girdle muscular dystrophy type 2J (LGMDR10). Also called: Limb-girdle muscular dystrophy, type 2J; MUSCULAR DYSTROPHY, LIMB-GIRDLE, AUTOSOMAL RECESSIVE 10. Identifiers: Orphanet 140922, MedGen C1837342, MONDO:0012127, OMIM 608807.

Submission:

Labcorp Genetics (formerly Invitae), Labcorp
Classification: Uncertain significance for Dilated cardiomyopathy 1G; Autosomal recessive limb-girdle muscular dystrophy type 2J. Last evaluated: 2024-12-08. Review status: criteria provided, single submitter. Criteria: Invitae Variant Classification Sherloc (09022015). Collection method: clinical testing. Allele origin: germline.
Comment: This sequence change replaces histidine, which is basic and polar, with aspartic acid, which is acidic and polar, at codon 35335 of the TTN protein (p.His35335Asp). This variant is not present in population databases (gnomAD no frequency). This variant has not been reported in the literature in individuals affected with TTN-related conditions. Experimental studies and prediction algorithms are not available or were not evaluated, and the functional significance of this variant is currently unknown. This variant is located in the M band of TTN (PMID: 25589632). Non-truncating variants in this region may be relevant for neuromuscular disorders, but have not been definitively shown to cause cardiomyopathy (PMID: 23975875). In summary, the available evidence is currently insufficient to determine the role of this variant in disease. Therefore, it has been classified as a Variant of Uncertain Significance.

Literature cited by the submitters: PubMed 25589632; PubMed 23975875.

NM_001267550.2(TTN):c.106003C>G (p.His35335Asp)

Genes: TTN (titin; minus strand), TTN-AS1 (TTN antisense RNA 1; plus strand), LOC129935182 (ATAC-STARR-seq lymphoblastoid active region 16807; plus strand). Cytogenetic location: 2q31.2.
Variant type: single nucleotide variant.
Coding change: c.106003C>G on transcript NM_001267550.2 (MANE Select); coding-DNA position 106003, C replaced by G.
Protein change: p.His35335Asp; replaces histidine 35335 with aspartic acid.
Molecular consequence: missense variant.
Genome position (GRCh38, 1-based): chr2:178,530,612, G>C on the plus strand (C>G on the coding strand, the complement: TTN is on the minus strand). VCF-style: chr2-178530612-G-C. GRCh37 (hg19) VCF-style: chr2-179395339-G-C.
Other names: c.101080C>G, p.His33694Asp (NM_001256850.1); c.78808C>G, p.His26270Asp (NM_003319.4); c.98299C>G, p.His32767Asp (NM_133378.4); c.79183C>G, p.His26395Asp (NM_133432.3); c.79384C>G, p.His26462Asp (NM_133437.4); short protein forms H26270D, H26395D, H26462D, H32767D, H33694D, H35335D.
Identifiers: ClinVar variation 3759931 (VCV003759931.2).